The following is an entry in ClinVar:

ClinVar aggregate classification (germline): Likely benign. Review status: criteria provided, multiple submitters, no conflicts (2 of 4 stars). 2 submissions from 2 submitters: Likely benign (2). Last evaluated 2023-09-29.

Conditions:
Dyskeratosis congenita. Identifiers: Orphanet 1775, MedGen C0265965, MONDO:0015780.

Allele frequency attached by ClinVar (database versions not stated): gnomAD exomes below 0.00001; ExAC 0.00001.
gnomAD v4.1: 4 of 1,210,410 alleles (0.00033%); highest among the groups gnomAD compares: Middle Eastern, 0.023%; no homozygotes.

Submissions (2):

Labcorp Genetics (formerly Invitae), Labcorp
Classification: Likely benign for Dyskeratosis congenita. Last evaluated: 2023-09-29. Review status: criteria provided, single submitter. Criteria: Invitae Variant Classification Sherloc (09022015). Collection method: clinical testing. Allele origin: germline.

CeGaT Center for Human Genetics Tuebingen
Classification: Likely benign. Last evaluated: 2022-11-01. Review status: criteria provided, single submitter. Criteria: CeGaT Center For Human Genetics Tuebingen Variant Classification Criteria Version 2. Collection method: clinical testing. Allele origin: germline. Affected: yes. Observed: 1 variant allele.
Comment: DKC1: BP4, BP7

NM_001363.5(DKC1):c.438A>G (p.Gln146=)

Gene: DKC1 (dyskerin pseudouridine synthase 1; plus strand). Cytogenetic location: Xq28.
Variant type: single nucleotide variant.
Coding change: c.438A>G on transcript NM_001363.5 (MANE Select); coding-DNA position 438, A replaced by G.
Protein change: p.Gln146=; no amino-acid change (glutamine 146 retained).
Molecular consequence: synonymous variant. On other transcripts: non-coding transcript variant (3).
Genome position (GRCh38, 1-based): chrX:154,766,390, A>G. VCF-style: chrX-154766390-A-G. GRCh37 (hg19) VCF-style: chrX-153994665-A-G.
Other names: c.438A>G, p.Gln146= (NM_001142463.3, NM_001288747.2).
Identifiers: ClinVar variation 2661858 (VCV002661858.27), dbSNP rs782047160, ClinGen allele CA10567017.
Genomic context (GRCh38, chrX:154,766,390, plus strand): 5'-CAAGGTGACTGGTTGTTTAATCGTGTGCATAGAACGAGCCACTCGCTTGGTGAAGTCACA[A>G]CAGAGTGCAGGTATGTGGGAGAGGGAGGGAAGGACTGGCTAGAGTGAAAAGCTTTCTGTA-3'
Protein context (NP_001354.1, residues 136-156): IERATRLVKS[Gln146=]QSAGKEYVGI